The following is an entry in ClinVar:

NM_000303.3(PMM2):c.252A>T (p.Arg84Ser)

Gene: PMM2 (phosphomannomutase 2; plus strand). Cytogenetic location: 16p13.2.
Variant type: single nucleotide variant.
Coding change: c.252A>T on transcript NM_000303.3 (MANE Select); coding-DNA position 252, A replaced by T.
Protein change: p.Arg84Ser; replaces arginine 84 with serine.
Molecular consequence: missense variant.
Genome position (GRCh38, 1-based): chr16:8,804,840, A>T. VCF-style: chr16-8804840-A-T. GRCh37 (hg19) VCF-style: chr16-8898697-A-T.
Other names: short protein forms R84S.
Identifiers: ClinVar variation 1409724 (VCV001409724.7), dbSNP rs375826588, ClinGen allele CA7893965.

ClinVar aggregate classification (germline): Uncertain significance. Review status: criteria provided, multiple submitters, no conflicts (2 of 4 stars). 2 submissions from 2 submitters: Uncertain significance (2). Last evaluated 2024-03-26.

Conditions:
PMM2-congenital disorder of glycosylation. Also called: PMM2-CDG; PHOSPHOMANNOMUTASE 2 DEFICIENCY; CDG Ia; JAEKEN SYNDROME; CARBOHYDRATE-DEFICIENT GLYCOPROTEIN SYNDROME, TYPE Ia; Congenital disorder of glycosylation, type Ia. Identifiers: Orphanet 79318, MedGen C0349653, MONDO:0008907, OMIM 212065.

Allele frequency attached by ClinVar (database versions not stated): ExAC 0.00001; gnomAD 0.00001; TOPMed 0.00003; ESP Exome Variant Server 0.00008.
gnomAD v4.1: 12 of 1,598,502 alleles (0.00075%); highest among the groups gnomAD compares: Admixed American, 0.0017%; no homozygotes.

Submissions (2):

Fulgent Genetics
Classification: Uncertain significance for PMM2-congenital disorder of glycosylation. Last evaluated: 2024-03-26. Review status: criteria provided, single submitter. Criteria: ACMG Guidelines, 2015. Collection method: clinical testing. Allele origin: germline.

Labcorp Genetics (formerly Invitae), Labcorp
Classification: Uncertain significance for PMM2-congenital disorder of glycosylation. Last evaluated: 2023-03-30. Review status: criteria provided, single submitter. Criteria: Invitae Variant Classification Sherloc (09022015). Collection method: clinical testing. Allele origin: germline.
Comment: ClinVar contains an entry for this variant (Variation ID: 1409724). This variant has not been reported in the literature in individuals affected with PMM2-related conditions. This variant is present in population databases (rs375826588, gnomAD 0.0009%). This sequence change replaces arginine, which is basic and polar, with serine, which is neutral and polar, at codon 84 of the PMM2 protein (p.Arg84Ser). Advanced modeling of protein sequence and biophysical properties (such as structural, functional, and spatial information, amino acid conservation, physicochemical variation, residue mobility, and thermodynamic stability) performed at Invitae indicates that this missense variant is expected to disrupt PMM2 protein function. In summary, the available evidence is currently insufficient to determine the role of this variant in disease. Therefore, it has been classified as a Variant of Uncertain Significance.